The following is an entry in ClinVar:

ClinVar aggregate classification (germline): Uncertain significance. Review status: criteria provided, multiple submitters, no conflicts (2 of 4 stars). 2 submissions from 2 submitters: Uncertain significance (2). Last evaluated 2025-08-09.

Conditions:
Inborn genetic diseases. Identifiers: MedGen C0950123, MeSH D030342.
Autosomal dominant nonsyndromic hearing loss 1. Also called: KONIGSMARK SYNDROME; DEAFNESS, AUTOSOMAL DOMINANT 1, WITH OR WITHOUT THROMBOCYTOPENIA. Identifiers: Orphanet 90635, MedGen C1852282, MONDO:0007424, OMIM 124900.
Progressive microcephaly-seizures-cortical blindness-developmental delay syndrome. Also called: Seizures, cortical blindness, and microcephaly syndrome. Identifiers: Orphanet 477814, MedGen C5567650, MONDO:0014714, OMIM 616632.

Allele frequency attached by ClinVar (database versions not stated): gnomAD exomes 0.00001.

Submissions (2):

Ambry Genetics
Classification: Uncertain significance for Inborn genetic diseases. Last evaluated: 2025-08-09. Review status: criteria provided, single submitter. Criteria: Ambry Variant Classification Scheme 2023. Collection method: clinical testing. Allele origin: germline.

Labcorp Genetics (formerly Invitae), Labcorp
Classification: Uncertain significance for Progressive microcephaly-seizures-cortical blindness-developmental delay syndrome; Autosomal dominant nonsyndromic hearing loss 1. Last evaluated: 2024-03-22. Review status: criteria provided, single submitter. Criteria: Invitae Variant Classification Sherloc (09022015). Collection method: clinical testing. Allele origin: germline.
Comment: This sequence change replaces isoleucine, which is neutral and non-polar, with valine, which is neutral and non-polar, at codon 675 of the DIAPH1 protein (p.Ile675Val). This variant is not present in population databases (gnomAD no frequency). This variant has not been reported in the literature in individuals affected with DIAPH1-related conditions. ClinVar contains an entry for this variant (Variation ID: 1517674). Algorithms developed to predict the effect of missense changes on protein structure and function output the following: SIFT: "Not Available"; PolyPhen-2: "Not Available"; Align-GVGD: "Not Available". The valine amino acid residue is found in multiple mammalian species, which suggests that this missense change does not adversely affect protein function. In summary, the available evidence is currently insufficient to determine the role of this variant in disease. Therefore, it has been classified as a Variant of Uncertain Significance.

NM_005219.5(DIAPH1):c.2023A>G (p.Ile675Val)

Gene: DIAPH1 (diaphanous related formin 1; minus strand). Cytogenetic location: 5q31.3.
Variant type: single nucleotide variant.
Coding change: c.2023A>G on transcript NM_005219.5 (MANE Select); coding-DNA position 2023, A replaced by G.
Protein change: p.Ile675Val; replaces isoleucine 675 with valine.
Molecular consequence: missense variant.
Genome position (GRCh38, 1-based): chr5:141,573,827, T>C on the plus strand (A>G on the coding strand, the complement: DIAPH1 is on the minus strand). VCF-style: chr5-141573827-T-C. GRCh37 (hg19) VCF-style: chr5-140953394-T-C.
Other names: c.2023A>G (NM_005219.4); c.1996A>G, p.Ile666Val (NM_001079812.3); c.2023A>G, p.Ile675Val (NM_001314007.2); short protein forms I675V, I666V.
Identifiers: ClinVar variation 1517674 (VCV001517674.9), dbSNP rs1596378879, ClinGen allele CA361519053.
Genomic context (GRCh38, chr5:141,573,827, plus strand): 5'-GCAAAGGAGGTGGTGGTGGGGGGATTCTAGCACTCCCAGGCAAAGGAGGAGGTGGGGGGA[T>C]GGCAGTACCTCCAGGCAAAGAAGAGGGTGAAGGGATGCCAACACCCTCAGGCAAAGGAGG-3'
Protein context (NP_005210.3, residues 665-685): SPSSLPGGTA[Ile675Val]PPPPPLPGSA